The following is an entry in ClinVar:

NC_000001.10:g.(?_74701136)_(74737412_?)dup

Genes: FPGT-TNNI3K (FPGT-TNNI3K readthrough; plus strand), TNNI3K (TNNI3 interacting kinase; plus strand). Cytogenetic location: 1p31.1.
Variant type: Duplication.
Identifiers: ClinVar variation 2426253 (VCV002426253.4).

ClinVar aggregate classification (germline): Uncertain significance (1 of 4 stars; one submission).

Submission:

Labcorp Genetics (formerly Invitae), Labcorp
Classification: Uncertain significance. Last evaluated: 2022-09-19. Review status: criteria provided, single submitter. Criteria: Invitae Variant Classification Sherloc (09022015). Collection method: clinical testing. Allele origin: germline.
Comment: In summary, the available evidence is currently insufficient to determine the role of this variant in disease. Therefore, it has been classified as a Variant of Uncertain Significance. This variant has not been reported in the literature in individuals affected with TNNI3K-related conditions. This variant results in a copy number gain of the genomic region encompassing exon(s) 1-5 of the TNNI3K gene. This region includes the initiator codon of the gene. This copy number gain extends beyond the assayed region for this gene and therefore may encompass additional genes. As the precise location of this event is unknown, it may be in tandem or it may be located elsewhere in the genome.